The following is an entry in ClinVar:

NM_014225.6(PPP2R1A):c.1712A>G (p.Gln571Arg)

Gene: PPP2R1A (protein phosphatase 2 scaffold subunit Aalpha; plus strand). Cytogenetic location: 19q13.41.
Variant type: single nucleotide variant.
Coding change: c.1712A>G on transcript NM_014225.6 (MANE Select); coding-DNA position 1712, A replaced by G.
Protein change: p.Gln571Arg; replaces glutamine 571 with arginine.
Molecular consequence: missense variant. On other transcripts: non-coding transcript variant (1).
Genome position (GRCh38, 1-based): chr19:52,225,767, A>G. VCF-style: chr19-52225767-A-G. GRCh37 (hg19) VCF-style: chr19-52729020-A-G.
Other names: c.1175A>G, p.Gln392Arg (NM_001363656.2); short protein forms Q392R, Q571R.
Identifiers: ClinVar variation 4769578 (VCV004769578.1).

ClinVar aggregate classification (germline): Uncertain significance (1 of 4 stars; one submission).

gnomAD v4.1: 1 of 1,614,210 alleles (0.000062%); highest among the groups gnomAD compares: Non-Finnish European, 0.000085%; no homozygotes.

Submission:

Labcorp Genetics (formerly Invitae), Labcorp
Classification: Uncertain significance. Last evaluated: 2025-03-25. Review status: criteria provided, single submitter. Criteria: Invitae Variant Classification Sherloc (09022015). Collection method: clinical testing. Allele origin: germline.
Comment: This sequence change replaces glutamine, which is neutral and polar, with arginine, which is basic and polar, at codon 571 of the PPP2R1A protein (p.Gln571Arg). This variant is not present in population databases (gnomAD no frequency). This variant has not been reported in the literature in individuals affected with PPP2R1A-related conditions. Invitae Evidence Modeling of protein sequence and biophysical properties (such as structural, functional, and spatial information, amino acid conservation, physicochemical variation, residue mobility, and thermodynamic stability) indicates that this missense variant is not expected to disrupt PPP2R1A protein function with a negative predictive value of 80%. In summary, the available evidence is currently insufficient to determine the role of this variant in disease. Therefore, it has been classified as a Variant of Uncertain Significance.